The following is an entry in ClinVar:

ClinVar aggregate classification (germline): Likely benign. Review status: criteria provided, multiple submitters, no conflicts (2 of 4 stars). 2 submissions from 2 submitters: Likely benign (2). Last evaluated 2023-11-20.

Conditions:
Hereditary cancer-predisposing syndrome. Also called: Tumor predisposition; Hereditary Cancer Syndrome; Hereditary neoplastic syndrome; Neoplastic Syndromes, Hereditary. Identifiers: Orphanet 140162, MedGen C0027672, MeSH D009386, MONDO:0015356.
Breast-ovarian cancer, familial, susceptibility to, 2 (BROVCA2). Also called: BRCA2 Hereditary Breast and Ovarian Cancer. Identifiers: Orphanet 145, MedGen C2675520, MONDO:0012933, OMIM 612555. Disease mechanism: loss of function.

Submissions (2):

All of Us Research Program, National Institutes of Health
Classification: Likely benign for Breast-ovarian cancer, familial, susceptibility to, 2. Last evaluated: 2023-11-20. Review status: criteria provided, single submitter. Criteria: ACMG Guidelines, 2015. Collection method: clinical testing. Allele origin: germline. Inheritance: Autosomal dominant inheritance. Observed: 1 variant allele, 1 heterozygote.
Comment: This study involves interpretation of variants in research participants for the purpose of population health screening. Participant phenotype was not available at the time of variant classification. Additional details can be found in publication PMID: 35346344, PMCID: PMC8962531

Color Diagnostics, LLC DBA Color Health
Classification: Likely benign for Hereditary cancer-predisposing syndrome. Last evaluated: 2022-04-29. Review status: criteria provided, single submitter. Criteria: ACMG Guidelines, 2015. Collection method: clinical testing. Allele origin: germline.

NM_000059.4(BRCA2):c.3726T>C (p.Ser1242=)

Gene: BRCA2 (BRCA2 DNA repair associated; plus strand). Cytogenetic location: 13q13.1.
Variant type: single nucleotide variant.
Coding change: c.3726T>C on transcript NM_000059.4 (MANE Select); coding-DNA position 3726, T replaced by C.
Protein change: p.Ser1242=; no amino-acid change (serine 1242 retained).
Molecular consequence: synonymous variant. On other transcripts: non-coding transcript variant (1), intron variant (2).
Genome position (GRCh38, 1-based): chr13:32,338,081, T>C. VCF-style: chr13-32338081-T-C. GRCh37 (hg19) VCF-style: chr13-32912218-T-C.
Other names: c.3726T>C, p.Ser1242= (NM_001406719.1, NM_001406720.1); c.1909+4694T>C (NM_001406721.1); c.425-6477T>C (NM_001406722.1).
Identifiers: ClinVar variation 3075623 (VCV003075623.2), dbSNP rs1224971607, ClinGen allele CA483437758.